The following is an entry in ClinVar:

ClinVar aggregate classification (germline): Uncertain significance (1 of 4 stars; one submission).

Conditions:
Early Myoclonic Encephalopathy. Identifiers: MedGen C0270855.

Allele frequency attached by ClinVar (database versions not stated): TOPMed 0.00003; gnomAD 0.00003 and 0.00004; gnomAD exomes below 0.00001; ExAC 0.00001.
gnomAD v4.1: 11 of 1,614,052 alleles (0.00068%); highest among the groups gnomAD compares: African/African-American, 0.015%; no homozygotes.

Submission:

Labcorp Genetics (formerly Invitae), Labcorp
Classification: Uncertain significance for Early Myoclonic Encephalopathy. Last evaluated: 2022-05-30. Review status: criteria provided, single submitter. Criteria: Invitae Variant Classification Sherloc (09022015). Collection method: clinical testing. Allele origin: germline.
Comment: This variant has not been reported in the literature in individuals affected with JMJD1C-related conditions. This variant is present in population databases (rs774913781, gnomAD 0.008%). This sequence change replaces isoleucine, which is neutral and non-polar, with threonine, which is neutral and polar, at codon 705 of the JMJD1C protein (p.Ile705Thr). ClinVar contains an entry for this variant (Variation ID: 1039966). Algorithms developed to predict the effect of missense changes on protein structure and function are either unavailable or do not agree on the potential impact of this missense change (SIFT: "Deleterious"; PolyPhen-2: "Probably Damaging"; Align-GVGD: "Class C0"). In summary, the available evidence is currently insufficient to determine the role of this variant in disease. Therefore, it has been classified as a Variant of Uncertain Significance.

NM_032776.3(JMJD1C):c.2114T>C (p.Ile705Thr)

Gene: JMJD1C (jumonji domain containing 1C; minus strand). Cytogenetic location: 10q21.3.
Variant type: single nucleotide variant.
Coding change: c.2114T>C on transcript NM_032776.3 (MANE Select); coding-DNA position 2114, T replaced by C.
Protein change: p.Ile705Thr; replaces isoleucine 705 with threonine.
Molecular consequence: missense variant. On other transcripts: non-coding transcript variant (1).
Genome position (GRCh38, 1-based): chr10:63,214,053, A>G on the plus strand (T>C on the coding strand, the complement: JMJD1C is on the minus strand). VCF-style: chr10-63214053-A-G. GRCh37 (hg19) VCF-style: chr10-64973813-A-G.
Other names: c.1568T>C, p.Ile523Thr (NM_001282948.2, NM_001318154.2); c.1250T>C, p.Ile417Thr (NM_001318153.2); c.2000T>C, p.Ile667Thr (NM_001322252.2); c.1457T>C, p.Ile486Thr (NM_001322254.2, NM_001322258.2); short protein forms I705T, I417T, I523T, I486T, I667T.
Identifiers: ClinVar variation 1039966 (VCV001039966.10), dbSNP rs774913781, ClinGen allele CA5518682.